The following is an entry in ClinVar:

NM_000254.3(MTR):c.3490C>T (p.Arg1164Cys)

Gene: MTR (5-methyltetrahydrofolate-homocysteine methyltransferase; plus strand). Cytogenetic location: 1q43.
Variant type: single nucleotide variant.
Coding change: c.3490C>T on transcript NM_000254.3 (MANE Select); coding-DNA position 3490, C replaced by T.
Protein change: p.Arg1164Cys; replaces arginine 1164 with cysteine.
Molecular consequence: missense variant.
Genome position (GRCh38, 1-based): chr1:236,895,442, C>T. VCF-style: chr1-236895442-C-T. GRCh37 (hg19) VCF-style: chr1-237058742-C-T.
Other names: c.3337C>T, p.Arg1113Cys (NM_001291939.1); c.2269C>T, p.Arg757Cys (NM_001291940.2); short protein forms R757C, R1164C, R1113C.
Identifiers: ClinVar variation 646496 (VCV000646496.7), dbSNP rs761657622, ClinGen allele CA1474713.

ClinVar aggregate classification (germline): Uncertain significance. Review status: criteria provided, multiple submitters, no conflicts (2 of 4 stars). 2 submissions from 2 submitters: Uncertain significance (2). Last evaluated 2024-03-04.

Conditions:
Methylcobalamin deficiency type cblG (HMAG). Also called: HOMOCYSTINURIA-MEGALOBLASTIC ANEMIA, cblG COMPLEMENTATION TYPE; HOMOCYSTINURIA-MEGALOBLASTIC ANEMIA DUE TO DEFECT IN COBALAMIN METABOLISM, cblG COMPLEMENTATION TYPE; HOMOCYSTINURIA-MEGALOBLASTIC ANEMIA, cblG TYPE; Functional methionine synthase deficiency type cblG. Identifiers: Orphanet 2170, Orphanet 622, MedGen C1855128, MONDO:0009609, OMIM 250940.

Allele frequency attached by ClinVar (database versions not stated): gnomAD 0.00001; TOPMed 0.00001; gnomAD exomes 0.00002 and 0.00003; ExAC 0.00003.
gnomAD v4.1: 34 of 1,602,498 alleles (0.0021%); highest among the groups gnomAD compares: South Asian, 0.018%; no homozygotes.

Submissions (2):

GeneDx
Classification: Uncertain significance. Last evaluated: 2024-03-04. Review status: criteria provided, single submitter. Criteria: GeneDx Variant Classification Process June 2021. Collection method: clinical testing. Allele origin: germline. Affected: yes.
Comment: Not observed at significant frequency in large population cohorts (gnomAD); In silico analysis supports that this missense variant does not alter protein structure/function; Has not been previously published as pathogenic or benign to our knowledge

Labcorp Genetics (formerly Invitae), Labcorp
Classification: Uncertain significance for Methylcobalamin deficiency type cblG. Last evaluated: 2021-09-02. Review status: criteria provided, single submitter. Criteria: Invitae Variant Classification Sherloc (09022015). Collection method: clinical testing. Allele origin: germline.
Comment: This sequence change replaces arginine with cysteine at codon 1164 of the MTR protein (p.Arg1164Cys). The arginine residue is highly conserved and there is a large physicochemical difference between arginine and cysteine. This variant is present in population databases (rs761657622, ExAC 0.02%). This variant has not been reported in the literature in individuals affected with MTR-related conditions. Algorithms developed to predict the effect of missense changes on protein structure and function (SIFT, PolyPhen-2, Align-GVGD) all suggest that this variant is likely to be disruptive. In summary, the available evidence is currently insufficient to determine the role of this variant in disease. Therefore, it has been classified as a Variant of Uncertain Significance.